The following is an entry in ClinVar:

NM_000368.5(TSC1):c.989_990del (p.Leu330fs)

Gene: TSC1 (TSC complex subunit 1; minus strand). Cytogenetic location: 9q34.13.
Variant type: Deletion.
Coding change: c.989_990del on transcript NM_000368.5 (MANE Select); coding-DNA positions 989 to 990, 2 bases deleted (TG; older notation c.989_990delTG).
Protein change: p.Leu330fs; shifts the reading frame from leucine 330.
Molecular consequence: frameshift variant.
Genome position (GRCh38, 1-based): chr9:132,911,492-132,911,493, CA deleted on the plus strand (TG on the coding strand, the reverse complement: TSC1 is on the minus strand). VCF-style (leftmost placement, unchanged base first): chr9-132911491-TCA-T. GRCh37 (hg19) VCF-style: chr9-135786878-TCA-T.
Other names: c.989_990del, p.Leu330fs (NM_001162426.2); c.836_837del, p.Leu279fs (NM_001162427.2); c.626_627del, p.Leu209fs (NM_001362177.2); short protein forms L330fs, L209fs, L279fs.
Identifiers: ClinVar variation 49134 (VCV000049134.12), dbSNP rs118203479, ClinGen allele CA008496.

ClinVar aggregate classification (germline): Pathogenic. Review status: criteria provided, multiple submitters, no conflicts (2 of 4 stars). 5 submissions from 5 submitters: Pathogenic (4). 1 of the submissions does not count toward it. Last evaluated 2024-12-18.

Conditions:
Tuberous sclerosis syndrome (TSC). Also called: Tuberous Sclerosis Complex; Tuberous sclerosis. Identifiers: Orphanet 805, MedGen C0041341, MONDO:0001734.
Tuberous sclerosis 1 (TSC1). Identifiers: Orphanet 805, MedGen C1854465, MONDO:0008612, OMIM 191100.

Submissions (5):

GeneDx
Classification: Pathogenic. Last evaluated: 2024-12-18. Review status: criteria provided, single submitter. Criteria: GeneDx Variant Classification Process June 2021. Collection method: clinical testing. Allele origin: germline. Affected: yes.
Comment: Frameshift variant predicted to result in protein truncation or nonsense mediated decay in a gene for which loss of function is a known mechanism of disease; Not observed at significant frequency in large population cohorts (gnomAD); This variant is associated with the following publications: (PMID: 21520333, 29432982, 38225666, 17304050)

Labcorp Genetics (formerly Invitae), Labcorp
Classification: Pathogenic for Tuberous sclerosis 1. Last evaluated: 2024-06-10. Review status: criteria provided, single submitter. Criteria: Invitae Variant Classification Sherloc (09022015). Collection method: clinical testing. Allele origin: germline.
Comment: This sequence change creates a premature translational stop signal (p.Leu330Glnfs*10) in the TSC1 gene. It is expected to result in an absent or disrupted protein product. Loss-of-function variants in TSC1 are known to be pathogenic (PMID: 10227394, 17304050). This variant is not present in population databases (gnomAD no frequency). This premature translational stop signal has been observed in individual(s) with clinical features of TSC1-related conditions (PMID: 21520333). ClinVar contains an entry for this variant (Variation ID: 49134). For these reasons, this variant has been classified as Pathogenic.

Genome-Nilou Lab
Classification: Pathogenic for Tuberous sclerosis 1. Last evaluated: 2021-11-07. Review status: criteria provided, single submitter. Criteria: ACMG Guidelines, 2015. Collection method: clinical testing. Allele origin: germline. Affected: no.

Athena Diagnostics
Classification: Pathogenic for Tuberous sclerosis 1. Last evaluated: 2014-10-31. Review status: criteria provided, single submitter. Criteria: Athena Diagnostics Criteria. Collection method: clinical testing. Allele origin: germline. Inheritance: Autosomal dominant inheritance.

Tuberous sclerosis database (TSC1)
No classification provided. Condition: TSC. Review status: no classification provided. Criteria: Tuberous Sclerosis Database Assertion Criteria 2015. Collection method: curation. Allele origin: germline. Affected: yes. Not counted in ClinVar's aggregate classification.

Literature cited by the submitters: PubMed 10227394 (cited by Labcorp Genetics (formerly Invitae), Labcorp); PubMed 17304050 (cited by Labcorp Genetics (formerly Invitae), Labcorp and Athena Diagnostics); PubMed 21520333 (cited by Labcorp Genetics (formerly Invitae), Labcorp).